The following is an entry in ClinVar:

ClinVar aggregate classification (germline): Pathogenic. Review status: criteria provided, multiple submitters, no conflicts (2 of 4 stars). 7 submissions from 7 submitters: Pathogenic (6). 1 of the submissions does not count toward it. Last evaluated 2026-05-30.

Conditions:
Hereditary cancer-predisposing syndrome. Also called: Hereditary Cancer Syndrome; Neoplastic Syndromes, Hereditary; Hereditary neoplastic syndrome; Tumor predisposition. Identifiers: Orphanet 140162, MedGen C0027672, MeSH D009386, MONDO:0015356.
Cardiovascular phenotype. Identifiers: MedGen CN230736.
Neurofibroma. Identifiers: Orphanet 252183, MedGen C0027830, MeSH D009455, MONDO:0016755, HP:0001067.
Neurofibromatosis, type 1 (NF1). Also called: VON RECKLINGHAUSEN DISEASE; NEUROFIBROMATOSIS, TYPE I, SOMATIC; Peripheral type neurofibromatosis; Neurofibromatosis, type I. Identifiers: Orphanet 636, MedGen C0027831, MONDO:0018975, OMIM 162200. Disease mechanism: loss of function.

Submissions (9):

NHS Central & South Genomic Laboratory Hub
Classification: Pathogenic for Neurofibromatosis type 1. Last evaluated: 2026-05-30. Review status: criteria provided, single submitter. Criteria: ACMG Guidelines, 2015. Collection method: clinical testing. Allele origin: germline. Affected: yes.

Labcorp Genetics (formerly Invitae), Labcorp
Classification: Pathogenic for Neurofibromatosis, type 1. Last evaluated: 2025-10-21. Review status: criteria provided, single submitter. Criteria: Invitae Variant Classification Sherloc (09022015). Collection method: clinical testing. Allele origin: germline.
Comment: This sequence change affects an acceptor splice site in intron 46 of the NF1 gene. It is expected to disrupt RNA splicing. Variants that disrupt the donor or acceptor splice site typically lead to a loss of protein function (PMID: 16199547), and loss-of-function variants in NF1 are known to be pathogenic (PMID: 10712197, 23913538). This variant is not present in population databases (gnomAD no frequency). Disruption of this splice site has been observed in individual(s) with clinical features of neurofibromatosis type 1 (PMID: 16944272, 23913538, 31533651; internal data). Invitae Evidence Modeling of clinical and family history, age, sex, and reported ancestry of multiple individuals with this NF1 variant has been performed. This variant is expected to be pathogenic with a positive predictive value of at least 99%. This is a validated machine learning model that incorporates the clinical features of 1,785,918 individuals referred to our laboratory for NF1 testing. ClinVar contains an entry for this variant (Variation ID: 635820). Algorithms developed to predict the effect of sequence changes on RNA splicing suggest that this variant may disrupt the consensus splice site. For these reasons, this variant has been classified as Pathogenic.

Ambry Genetics
Classification: Pathogenic for Cardiovascular phenotype; Hereditary cancer-predisposing syndrome. Last evaluated: 2023-04-27. Review status: criteria provided, single submitter. Criteria: Ambry Variant Classification Scheme 2023. Collection method: clinical testing. Allele origin: germline.
Comment: The c.7000-2A>G intronic pathogenic mutation results from an A to G substitution two nucleotides upstream from coding exon 47 in the NF1 gene. This mutation has been detected in individuals with a clinical or suspected diagnosis of neurofibromatosis type 1 (Griffiths S et al. Fam. Cancer, 2007;6:21-34; Sabbagh A et al. Hum. Mutat., 2013 Nov;34:1510-8; Ambry internal data). In RNA studies, this variant resulted in skipping of exon 47 and insertion of partial intron 46 (Sabbagh A et al. Hum. Mutat., 2013 Nov;34:1510-8; Ambry internal data). This variant was not reported in population-based cohorts in the Genome Aggregation Database (gnomAD). In addition, alterations that disrupt the canonical splice site are expected to cause aberrant splicing, resulting in an abnormal protein or a transcript that is subject to nonsense-mediated mRNA decay. As such, this alteration is classified as a disease-causing mutation.

GeneDx
Classification: Pathogenic. Last evaluated: 2023-04-10. Review status: criteria provided, single submitter. Criteria: GeneDx Variant Classification Process June 2021. Collection method: clinical testing. Allele origin: germline. Affected: yes.
Comment: Canonical splice site variant predicted to result in a null allele in a gene for which loss of function is a known mechanism of disease (Sabbagh et al., 2013); Not observed in large population cohorts (gnomAD); This variant is associated with the following publications: (PMID: 23913538, 16944272, 31533651)

Genome-Nilou Lab
Classification: Pathogenic for Neurofibromatosis, type 1. Last evaluated: 2022-03-15. Review status: criteria provided, single submitter. Criteria: ACMG Guidelines, 2015. Collection method: clinical testing. Allele origin: germline. Affected: no.

Genome Diagnostics Laboratory, The Hospital for Sick Children
Classification: Pathogenic for Neurofibromatosis, type 1. Last evaluated: 2020-10-26. Review status: criteria provided, single submitter. Criteria: ACMG Guidelines, 2015. Collection method: clinical testing. Allele origin: germline. Affected: yes.

Department of Ophthalmology, Shanghai Ninth people hospital, Shanghai Ninth People's Hospital, Shanghai Jiao Tong University
Classification: Pathogenic for Neurofibroma. Last evaluated: 2019-06-29. Review status: no assertion criteria provided. Collection method: clinical testing. Allele origin: germline. Affected: yes. Not counted in ClinVar's aggregate classification.

Dr. Peter K. Rogan Lab, Western University
No classification provided (evidence only). Condition: Squamous cell lung carcinoma. Review status: no classification provided. Collection method: in vitro. Allele origin: not applicable. Functional consequence: retained intron. Not counted in ClinVar's aggregate classification.

MutSpliceDB: a database of splice sites variants effects on splicing, NIH
No classification provided (evidence only). Review status: no classification provided. Collection method: in vivo. Allele origin: not applicable. Functional consequence: retained intron. Not counted in ClinVar's aggregate classification.

Literature cited by the submitters: PubMed 16199547 (cited by Labcorp Genetics (formerly Invitae), Labcorp); PubMed 10712197 (cited by Labcorp Genetics (formerly Invitae), Labcorp); PubMed 23913538 (cited by Labcorp Genetics (formerly Invitae), Labcorp); PubMed 16944272 (cited by Labcorp Genetics (formerly Invitae), Labcorp); PubMed 31533651 (cited by Labcorp Genetics (formerly Invitae), Labcorp).

NM_001042492.3(NF1):c.7063-2A>G

Gene: NF1 (neurofibromin 1; plus strand). Cytogenetic location: 17q11.2.
Variant type: single nucleotide variant.
Coding change: c.7063-2A>G on transcript NM_001042492.3 (MANE Select); the canonical splice acceptor site of the intron before coding-DNA position 7063, A replaced by G.
Molecular consequence: splice acceptor variant.
Genome position (GRCh38, 1-based): chr17:31,343,007, A>G. VCF-style: chr17-31343007-A-G. GRCh37 (hg19) VCF-style: chr17-29670025-A-G.
Other names: c.7000-2A>G (NM_000267.4).
Identifiers: ClinVar variation 635820 (VCV000635820.20), dbSNP rs1597851255, ClinGen allele CA399015494.
Genomic context (GRCh38, chr17:31,343,007, plus strand): 5'-TGAGCCTTTAAAGAAAGCTACTGTGTGAACCTCATCAACCATCTCATGATTATCTTTAAT[A>G]GAGTCCAGAGGAAGTATTTATGGCAATCCGGAATCCTCTGGAGTGGCACTGCAAGCAAAT-3'